The following is an entry in ClinVar:

ClinVar aggregate classification (germline): Uncertain significance (1 of 4 stars; one submission).

Conditions:
Hereditary breast ovarian cancer syndrome. Also called: Hereditary breast and ovarian cancer syndrome (HBOC); Hereditary breast and ovarian cancer; Breast and ovarian cancer; Hereditary breast and/or ovarian cancer syndrome; BRCA1- and BRCA2-Associated Hereditary Breast and Ovarian Cancer; Hereditary breast and ovarian cancer syndrome. Identifiers: Orphanet 145, MedGen C0677776, MeSH D061325, MONDO:0003582. Disease mechanism: loss of function.

Submission:

Labcorp Genetics (formerly Invitae), Labcorp
Classification: Uncertain significance for Hereditary breast ovarian cancer syndrome. Last evaluated: 2025-12-04. Review status: criteria provided, single submitter. Criteria: Invitae Variant Classification Sherloc (09022015). Collection method: clinical testing. Allele origin: germline.
Comment: This sequence change replaces isoleucine, which is neutral and non-polar, with serine, which is neutral and polar, at codon 14 of the BRCA2 protein (p.Ile14Ser). This variant is not present in population databases (gnomAD no frequency). This variant has not been reported in the literature in individuals affected with BRCA2-related conditions. Invitae Evidence Modeling of protein sequence and biophysical properties (such as structural, functional, and spatial information, amino acid conservation, physicochemical variation, residue mobility, and thermodynamic stability) indicates that this missense variant is not expected to disrupt BRCA2 protein function with a negative predictive value of 95%. In summary, the available evidence is currently insufficient to determine the role of this variant in disease. Therefore, it has been classified as a Variant of Uncertain Significance.

NM_000059.4(BRCA2):c.41T>G (p.Ile14Ser)

Gene: BRCA2 (BRCA2 DNA repair associated; plus strand). Cytogenetic location: 13q13.1.
Variant type: single nucleotide variant.
Coding change: c.41T>G on transcript NM_000059.4 (MANE Select); coding-DNA position 41, T replaced by G.
Protein change: p.Ile14Ser; replaces isoleucine 14 with serine.
Molecular consequence: missense variant. On other transcripts: non-coding transcript variant (1), intron variant (1).
Genome position (GRCh38, 1-based): chr13:32,316,501, T>G. VCF-style: chr13-32316501-T-G. GRCh37 (hg19) VCF-style: chr13-32890638-T-G.
Other names: c.41T>G, p.Ile14Ser (NM_001406719.1, NM_001406720.1, NM_001406721.1 and 1 more transcripts); c.-303+834T>G (NM_001406722.1); short protein forms I14S.
Identifiers: ClinVar variation 4802257 (VCV004802257.1).